The following is an entry in ClinVar:

ClinVar aggregate classification (germline): Conflicting classifications of pathogenicity. Review status: criteria provided, conflicting classifications (1 of 4 stars). 3 submissions from 3 submitters: Uncertain significance (2); Benign (1). Last evaluated 2025-03-05.

Conditions:
CHARGE syndrome (CHARGE). Also called: Hittner Hirsch Kreh syndrome; CHARGE ASSOCIATION--COLOBOMA, HEART ANOMALY, CHOANAL ATRESIA, RETARDATION, GENITAL AND EAR ANOMALIES; Coloboma, heart anomaly, choanal atresia, retardation, genital and ear anomalies; CHARGE association; Hall-Hittner syndrome. Identifiers: Orphanet 138, MedGen C0265354, MONDO:0008965.
Hypogonadotropic hypogonadism 5 with or without anosmia (KAL5). Also called: HYPOGONADOTROPIC HYPOGONADISM 5 WITH ANOSMIA; HYPOGONADOTROPHIC HYPOGONADISM 5 WITHOUT ANOSMIA; CHD7-Related GnRH Deficiency (Kallmann Syndrome 5). Identifiers: Orphanet 478, MedGen C3552553, MONDO:0012880, OMIM 612370. Disease mechanism: loss of function.

Allele frequency attached by ClinVar (database versions not stated): gnomAD exomes below 0.00001; TOPMed below 0.00001; gnomAD 0.00002.
gnomAD v4.1: 6 of 1,613,798 alleles (0.00037%); highest among the groups gnomAD compares: African/African-American, 0.008%; no homozygotes.

Submissions (3):

Labcorp Genetics (formerly Invitae), Labcorp
Classification: Benign for CHARGE syndrome. Last evaluated: 2025-03-05. Review status: criteria provided, single submitter. Criteria: Invitae Variant Classification Sherloc (09022015). Collection method: clinical testing. Allele origin: germline.

Fulgent Genetics
Classification: Uncertain significance for CHD7-related CHARGE syndrome; Hypogonadotropic hypogonadism 5 with or without anosmia. Last evaluated: 2021-09-10. Review status: criteria provided, single submitter. Criteria: ACMG Guidelines, 2015. Collection method: clinical testing. Allele origin: unknown.

GeneDx
Classification: Uncertain significance. Last evaluated: 2019-06-24. Review status: criteria provided, single submitter. Criteria: GeneDx Variant Classification Process June 2021. Collection method: clinical testing. Allele origin: germline. Affected: yes.
Comment: In silico analysis, which includes protein predictors and evolutionary conservation, supports that this variant does not alter protein structure/function; Has not been previously published as pathogenic or benign to our knowledge

NM_017780.4(CHD7):c.3238A>G (p.Ile1080Val)

Gene: CHD7 (chromodomain helicase DNA binding protein 7; plus strand). Cytogenetic location: 8q12.2.
Variant type: single nucleotide variant.
Coding change: c.3238A>G on transcript NM_017780.4 (MANE Select); coding-DNA position 3238, A replaced by G.
Protein change: p.Ile1080Val; replaces isoleucine 1080 with valine.
Molecular consequence: missense variant. On other transcripts: intron variant (1).
Genome position (GRCh38, 1-based): chr8:60,823,876, A>G. VCF-style: chr8-60823876-A-G. GRCh37 (hg19) VCF-style: chr8-61736435-A-G.
Other names: c.1717-38353A>G (NM_001316690.1); short protein forms I1080V.
Identifiers: ClinVar variation 1216189 (VCV001216189.12), dbSNP rs1271767085, ClinGen allele CA371311576.